The following is an entry in ClinVar:

NM_000382.3(ALDH3A2):c.733G>A (p.Asp245Asn)

Gene: ALDH3A2 (aldehyde dehydrogenase 3 family member A2; plus strand). Cytogenetic location: 17p11.2.
Variant type: single nucleotide variant.
Coding change: c.733G>A on transcript NM_000382.3 (MANE Select); coding-DNA position 733, G replaced by A.
Protein change: p.Asp245Asn; replaces aspartic acid 245 with asparagine.
Molecular consequence: missense variant.
Genome position (GRCh38, 1-based): chr17:19,657,797, G>A. VCF-style: chr17-19657797-G-A. GRCh37 (hg19) VCF-style: chr17-19561110-G-A.
Other names: c.733G>A, p.Asp245Asn (NM_001031806.2, NM_001369136.1, NM_001369137.2 and 3 more transcripts); c.154G>A, p.Asp52Asn (NM_001369148.2); short protein forms D245N, D52N.
Identifiers: ClinVar variation 265459 (VCV000265459.51), dbSNP rs72547568, ClinGen allele CA8442901.
Genomic context (GRCh38, chr17:19,657,797, plus strand): 5'-CCCCTCAGACGCATAACCTGGGGAAAATACATGAATTGTGGCCAAACCTGCATTGCACCC[G>A]ACTATATTCTCTGTGAAGCATCCCTCCAAAATCAAATTGTATGGAAGATTAAGGAAACAG-3'
Protein context (NP_000373.1, residues 235-255): MNCGQTCIAP[Asp245Asn]YILCEASLQN

ClinVar aggregate classification (germline): Pathogenic/Likely pathogenic. Review status: criteria provided, multiple submitters, no conflicts (2 of 4 stars). 7 submissions from 7 submitters: Pathogenic (5); Likely pathogenic (1). 1 of the submissions does not count toward it. Last evaluated 2026-09-03.

Conditions:
Sjögren-Larsson syndrome (SLS). Also called: FALDH DEFICIENCY; FATTY ALCOHOL:NAD+ OXIDOREDUCTASE DEFICIENCY; FATTY ALDEHYDE DEHYDROGENASE DEFICIENCY; ICHTHYOSIS, SPASTIC NEUROLOGIC DISORDER, AND OLIGOPHRENIA. Identifiers: Orphanet 816, MedGen C0037231, MONDO:0010031, OMIM 270200.

Allele frequency attached by ClinVar (database versions not stated): gnomAD exomes below 0.00001 and 0.00001; TOPMed below 0.00001; ExAC 0.00001; gnomAD 0.00002.
gnomAD v4.1: 17 of 1,613,922 alleles (0.0011%); highest among the groups gnomAD compares: South Asian, 0.0022%; no homozygotes.

Submissions (7):

GeneDx
Classification: Pathogenic. Last evaluated: 2026-09-03. Review status: criteria provided, single submitter. Criteria: GeneDx Variant Classification Process June 2021. Collection method: clinical testing. Allele origin: germline.
Comment: Published functional studies demonstrate that the D245N variant almost completely abolishes the enzymatic activity of the protein (PMID: 10577908); Not observed at significant frequency in large population cohorts (gnomAD); In silico analysis supports that this missense variant has a deleterious effect on protein structure/function; This variant is associated with the following publications: (PMID: 11408337, 10577908, 11306053, 9829906, 16996289, 15931689, 29183715, 21872273)

Natera, Inc.
Classification: Pathogenic for Sjögren-Larsson syndrome. Last evaluated: 2025-04-16. Review status: criteria provided, single submitter. Criteria: Natera Variant Classification Schema (03/2026). Collection method: clinical testing. Allele origin: germline.
Comment: The c.733G>A variant in ALDH3A2 is a missense variant predicted to cause substitution of aspartic acid to asparagine at amino acid 245. This variant is rare in the general population with a frequency below the threshold expected for the associated phenotype(s). This variant has been observed in one or more individuals affected with the associated recessive disease, as either homozygous or compound heterozygous with a second variant (PMID: 11408337, 10577908, 21872273). Additionally, this variant has been observed to segregate in affected family members (PMID: 31273323). Functional studies show that this variant may disrupt protein function (PMID: 10577908). Computational prediction algorithms indicate this variant is likely to affect gene or protein function. Given the available evidence, this variant is classified as Pathogenic.

First Genomix Gene Laboratory, Genetic Diagnostics Department
Classification: Pathogenic for Sjögren-Larsson syndrome. Last evaluated: 2025-03-26. Review status: criteria provided, single submitter. Criteria: ACMG Guidelines, 2015. Collection method: clinical testing. Allele origin: germline. Inheritance: Autosomal recessive inheritance. Affected: no. Observed: 1 variant allele.

Labcorp Genetics (formerly Invitae), Labcorp
Classification: Pathogenic. Last evaluated: 2023-11-05. Review status: criteria provided, single submitter. Criteria: Invitae Variant Classification Sherloc (09022015). Collection method: clinical testing. Allele origin: germline.
Comment: This sequence change replaces aspartic acid, which is acidic and polar, with asparagine, which is neutral and polar, at codon 245 of the ALDH3A2 protein (p.Asp245Asn). This variant is present in population databases (rs72547568, gnomAD 0.002%). This missense change has been observed in individual(s) with Sjoegren-Larsson syndrome (PMID: 10577908, 11408337, 21872273). In at least one individual the data is consistent with being in trans (on the opposite chromosome) from a pathogenic variant. This variant has also been described in the literature as part of a complex haplotype in individuals affected with Sjoegren-Larsson syndrome with European heritage (PMID: 29183715, 9829906). In these individuals this variant is described in combination with a complex variant involving three separate sequence changes that occur on the same chromosome (in cis) (c.901 G>C; c.906delT; and c.909 T>G). ClinVar contains an entry for this complex haplotype (Variation ID: 438264). ClinVar contains an entry for this variant (Variation ID: 265459). Advanced modeling of protein sequence and biophysical properties (such as structural, functional, and spatial information, amino acid conservation, physicochemical variation, residue mobility, and thermodynamic stability) has been performed at Invitae for this missense variant, however the output from this modeling did not meet the statistical confidence thresholds required to predict the impact of this variant on ALDH3A2 protein function. Experimental studies have shown that this missense change affects ALDH3A2 function (PMID: 10577908). In summary, this is a rare variant that has been observed as part of a complex European haplotype with a second pathogenic variant. It has been observed in several individuals with Sjögren-Larsson syndrome, and is expected to affect ALDH3A2 protein function. For these reasons, this variant has been classified as Pathogenic.

CeGaT Center for Human Genetics Tuebingen
Classification: Likely pathogenic. Last evaluated: 2022-04-01. Review status: criteria provided, single submitter. Criteria: CeGaT Center For Human Genetics Tuebingen Variant Classification Criteria Version 2. Collection method: clinical testing. Allele origin: germline. Affected: yes. Observed: 1 variant allele.
Comment: ALDH3A2: PM2, PM3, PS4:Moderate, PS3:Supporting, BP2

Broad Center for Mendelian Genomics, Broad Institute of MIT and Harvard
Classification: Pathogenic for Sjögren-Larsson syndrome. Review status: criteria provided, single submitter. Criteria: ACMG Guidelines, 2015. Collection method: research. Allele origin: germline. Inheritance: Autosomal recessive inheritance. Affected: yes. Observed: 2 variant alleles, 2 homozygotes. Clinical features observed: Abnormality of brain morphology. Study: Broad Institute Center for Mendelian Genomics (CMG).
Comment: The homozygous p.Asp245Asn variant was identified by our study in two individuals with Sjogren-Larsson Syndrome. The p.Asp245Asn variant is believed to be pathogenic based on numberous reports in the literature and databases.

Counsyl
Classification: Likely pathogenic for Sjögren-Larsson syndrome. Last evaluated: 2019-04-09. Review status: no assertion criteria provided. Collection method: clinical testing. Allele origin: unknown. Not counted in ClinVar's aggregate classification.

Literature cited by the submitters: PubMed 11408337 (cited by 3 submitters); PubMed 10577908 (cited by 3 submitters); PubMed 21872273 (cited by 3 submitters); PubMed 31273323 (cited by Natera, Inc.); PubMed 29183715 (cited by Labcorp Genetics (formerly Invitae), Labcorp and Counsyl); PubMed 9829906 (cited by Labcorp Genetics (formerly Invitae), Labcorp and Counsyl); PubMed 16546179 (cited by Counsyl); PubMed 18035827 (cited by Counsyl); PubMed 25047030 (cited by Counsyl); PubMed 10854114 (cited by Counsyl).